The following is an entry in ClinVar:

NM_000531.6(OTC):c.139A>C (p.Asn47His)

Gene: OTC (ornithine transcarbamylase; plus strand). Cytogenetic location: Xp11.4.
Variant type: single nucleotide variant.
Coding change: c.139A>C on transcript NM_000531.6 (MANE Select); coding-DNA position 139, A replaced by C.
Protein change: p.Asn47His; replaces asparagine 47 with histidine.
Molecular consequence: missense variant.
Genome position (GRCh38, 1-based): chrX:38,367,352, A>C. VCF-style: chrX-38367352-A-C. GRCh37 (hg19) VCF-style: chrX-38226605-A-C.
Other names: c.139A>C, p.Asn47His (NM_001407092.1); short protein forms N47H.
Identifiers: ClinVar variation 1994909 (VCV001994909.5), dbSNP rs2519950651, ClinGen allele CA412716055.

ClinVar aggregate classification (germline): Uncertain significance. Review status: criteria provided, multiple submitters, no conflicts (2 of 4 stars). 2 submissions from 2 submitters: Uncertain significance (2). Last evaluated 2024-05-01.

Conditions:
Ornithine carbamoyltransferase deficiency (OTCD). Also called: Ornithine Carbamoyltransferase Deficiency Disease; ORNITHINE TRANSCARBAMYLASE DEFICIENCY; ORNITHINE TRANSCARBAMYLASE DEFICIENCY, HYPERAMMONEMIA DUE TO; OTC DEFICIENCY. Identifiers: Orphanet 664, MedGen C0268542, MONDO:0010703, OMIM 311250.

Submissions (2):

Women's Health and Genetics/Laboratory Corporation of America, LabCorp
Classification: Uncertain significance. Last evaluated: 2024-05-01. Review status: criteria provided, single submitter. Criteria: LabCorp Variant Classification Summary - May 2015. Collection method: clinical testing. Allele origin: germline.

Labcorp Genetics (formerly Invitae), Labcorp
Classification: Uncertain significance for Ornithine carbamoyltransferase deficiency. Last evaluated: 2022-05-22. Review status: criteria provided, single submitter. Criteria: Invitae Variant Classification Sherloc (09022015). Collection method: clinical testing. Allele origin: germline.
Comment: In summary, the available evidence is currently insufficient to determine the role of this variant in disease. Therefore, it has been classified as a Variant of Uncertain Significance. Advanced modeling of protein sequence and biophysical properties (such as structural, functional, and spatial information, amino acid conservation, physicochemical variation, residue mobility, and thermodynamic stability) performed at Invitae indicates that this missense variant is not expected to disrupt OTC protein function. This variant has not been reported in the literature in individuals affected with OTC-related conditions. This variant is not present in population databases (gnomAD no frequency). This sequence change replaces asparagine, which is neutral and polar, with histidine, which is basic and polar, at codon 47 of the OTC protein (p.Asn47His).